The following is an entry in ClinVar:

ClinVar aggregate classification (germline): Pathogenic (1 of 4 stars; one submission).

Submission:

Labcorp Genetics (formerly Invitae), Labcorp
Classification: Pathogenic. Last evaluated: 2025-07-06. Review status: criteria provided, single submitter. Criteria: Invitae Variant Classification Sherloc (09022015). Collection method: clinical testing. Allele origin: germline.
Comment: This sequence change affects a donor splice site in intron 33 of the LRRK1 gene. While this variant is not anticipated to result in nonsense mediated decay, it likely alters RNA splicing and results in a disrupted protein product. This variant is not present in population databases (gnomAD no frequency). This variant has not been reported in the literature in individuals affected with LRRK1-related conditions. Variants that disrupt the consensus splice site are a relatively common cause of aberrant splicing (PMID: 17576681, 9536098). Algorithms developed to predict the effect of sequence changes on RNA splicing suggest that this variant may disrupt the consensus splice site. This variant disrupts a region of the LRRK1 protein in which other variant(s) (p.Trp1989_Gly1990del) have been determined to be pathogenic (PMID: 34798323). This suggests that this is a clinically significant region of the protein, and that variants that disrupt it are likely to be disease-causing. For these reasons, this variant has been classified as Pathogenic.

Literature cited by the submitters: PubMed 17576681; PubMed 9536098; PubMed 34798323.

NM_024652.6(LRRK1):c.5870+1G>A

Genes: LRRK1 (leucine rich repeat kinase 1; plus strand), LRRK1-AS1 (LRRK1 antisense RNA 1; minus strand). Cytogenetic location: 15q26.3.
Variant type: single nucleotide variant.
Coding change: c.5870+1G>A on transcript NM_024652.6 (MANE Select); the canonical splice donor site of the intron after coding-DNA position 5870, G replaced by A.
Molecular consequence: splice donor variant.
Genome position (GRCh38, 1-based): chr15:101,066,742, G>A. VCF-style: chr15-101066742-G-A. GRCh37 (hg19) VCF-style: chr15-101606947-G-A.
Identifiers: ClinVar variation 4721387 (VCV004721387.1).
Genomic context (GRCh38, chr15:101,066,742, plus strand): 5'-TGGCGCCCAGCGGGGCCGAGTCATTGCCGTCTTAAAAGCCCGAGAGCTGACTCCGCATGG[G>A]TAAGACTGAGTGGCAGCTCCTTTAGGACCCAGGCAGCAGCATGAGCACAGAAGGCCCTGC-3'